The following is an entry in ClinVar:

ClinVar aggregate classification (germline): Uncertain significance. Review status: criteria provided, multiple submitters, no conflicts (2 of 4 stars). 2 submissions from 2 submitters: Uncertain significance (2). Last evaluated 2024-09-05.

Conditions:
Jeune thoracic dystrophy. Also called: Jeune syndrome; Infantile thoracic dystrophy; Thoracic pelvic phalangeal dystrophy; Jeune's syndrome; Chondroectodermal dysplasia-like syndrome; Short-rib thoracic dysplasia. Identifiers: Orphanet 474, MedGen C0265275, MONDO:0018770.

Allele frequency attached by ClinVar (database versions not stated): TOPMed 0.00002.
gnomAD v4.1: 34 of 1,477,006 alleles (0.0023%); highest among the groups gnomAD compares: Admixed American, 0.0033%; no homozygotes.

Submissions (2):

Labcorp Genetics (formerly Invitae), Labcorp
Classification: Uncertain significance for Jeune thoracic dystrophy. Last evaluated: 2024-09-05. Review status: criteria provided, single submitter. Criteria: Invitae Variant Classification Sherloc (09022015). Collection method: clinical testing. Allele origin: germline.
Comment: This sequence change replaces arginine, which is basic and polar, with histidine, which is basic and polar, at codon 321 of the IFT80 protein (p.Arg321His). This variant is present in population databases (rs766354291, gnomAD 0.006%). This variant has not been reported in the literature in individuals affected with IFT80-related conditions. ClinVar contains an entry for this variant (Variation ID: 1445660). Invitae Evidence Modeling of protein sequence and biophysical properties (such as structural, functional, and spatial information, amino acid conservation, physicochemical variation, residue mobility, and thermodynamic stability) indicates that this missense variant is not expected to disrupt IFT80 protein function with a negative predictive value of 80%. In summary, the available evidence is currently insufficient to determine the role of this variant in disease. Therefore, it has been classified as a Variant of Uncertain Significance.

GeneDx
Classification: Uncertain significance. Last evaluated: 2024-01-31. Review status: criteria provided, single submitter. Criteria: GeneDx Variant Classification Process June 2021. Collection method: clinical testing. Allele origin: germline. Affected: yes.
Comment: In silico analysis supports that this missense variant does not alter protein structure/function; Has not been previously published as pathogenic or benign to our knowledge

NM_020800.3(IFT80):c.962G>A (p.Arg321His)

Genes: TRIM59-IFT80 (TRIM59-IFT80 readthrough (NMD candidate); minus strand), IFT80 (intraflagellar transport 80; minus strand). Cytogenetic location: 3q25.33.
Variant type: single nucleotide variant.
Coding change: c.962G>A on transcript NM_020800.3 (MANE Select); coding-DNA position 962, G replaced by A.
Protein change: p.Arg321His; replaces arginine 321 with histidine.
Molecular consequence: missense variant. On other transcripts: non-coding transcript variant (3).
Genome position (GRCh38, 1-based): chr3:160,307,777, C>T on the plus strand (G>A on the coding strand, the complement: IFT80 is on the minus strand). VCF-style: chr3-160307777-C-T. GRCh37 (hg19) VCF-style: chr3-160025565-C-T.
Other names: c.962G>A (NM_020800.2); c.551G>A, p.Arg184His (NM_001190241.2, NM_001190242.2); short protein forms R184H, R321H.
Identifiers: ClinVar variation 1445660 (VCV001445660.6), dbSNP rs766354291, ClinGen allele CA2685289.